The following is an entry in ClinVar:

NM_001042.3(SLC2A4):c.910A>G (p.Asn304Asp)

Gene: SLC2A4 (solute carrier family 2 member 4; plus strand). Cytogenetic location: 17p13.1.
Variant type: single nucleotide variant.
Coding change: c.910A>G on transcript NM_001042.3 (MANE Select); coding-DNA position 910, A replaced by G.
Protein change: p.Asn304Asp; replaces asparagine 304 with aspartic acid.
Molecular consequence: missense variant.
Genome position (GRCh38, 1-based): chr17:7,284,667, A>G. VCF-style: chr17-7284667-A-G. GRCh37 (hg19) VCF-style: chr17-7187986-A-G.
Other names: short protein forms N304D.
Identifiers: ClinVar variation 4822325 (VCV004822325.4).
Genomic context (GRCh38, chr17:7,284,667, plus strand): 5'-CACCGGCAGCCCCTGATCATTGCGGTCGTGCTGCAGCTGAGCCAGCAGCTCTCTGGCATC[A>G]ATGCTGTATGTGTGGAGCAGCCTCCAGGCAGGGCACAGCCCCGGGAGGGTAGACGAGAGT-3'
Protein context (NP_001033.1, residues 294-314): LQLSQQLSGI[Asn304Asp]AVFYYSTSIF

ClinVar aggregate classification (germline): Uncertain significance (1 of 4 stars; one submission).

Submission:

CeGaT Center for Human Genetics Tuebingen
Classification: Uncertain significance. Last evaluated: 2026-03-01. Review status: criteria provided, single submitter. Criteria: CeGaT Center For Human Genetics Tuebingen Variant Classification Criteria Version 2. Collection method: clinical testing. Allele origin: germline. Affected: yes. Observed: 1 variant allele.
Comment: SLC2A4: PM2